The following is an entry in ClinVar:

ClinVar aggregate classification (germline): Uncertain significance (1 of 4 stars; one submission).

Conditions:
Hereditary motor and sensory neuropathy, Okinawa type (HMSNO). Also called: HEREDITARY MOTOR AND SENSORY NEUROPATHY, PROXIMAL TYPE. Identifiers: Orphanet 90117, MedGen C1858338, MONDO:0011468, OMIM 604484.
Hereditary spastic paraplegia 57. Also called: Spastic paraplegia 57, autosomal recessive. Identifiers: Orphanet 431329, MedGen C3714897, MONDO:0014295, OMIM 615658.

Submission:

Labcorp Genetics (formerly Invitae), Labcorp
Classification: Uncertain significance for Hereditary motor and sensory neuropathy, Okinawa type; Hereditary spastic paraplegia 57. Last evaluated: 2022-07-05. Review status: criteria provided, single submitter. Criteria: Invitae Variant Classification Sherloc (09022015). Collection method: clinical testing. Allele origin: germline.
Comment: This variant is not present in population databases (gnomAD no frequency). In summary, the available evidence is currently insufficient to determine the role of this variant in disease. Therefore, it has been classified as a Variant of Uncertain Significance. Algorithms developed to predict the effect of missense changes on protein structure and function (SIFT, PolyPhen-2, Align-GVGD) all suggest that this variant is likely to be tolerated. ClinVar contains an entry for this variant (Variation ID: 466402). This variant has not been reported in the literature in individuals affected with TFG-related conditions. This sequence change replaces asparagine, which is neutral and polar, with lysine, which is basic and polar, at codon 338 of the TFG protein (p.Asn338Lys).

NM_006070.6(TFG):c.1014T>G (p.Asn338Lys)

Gene: TFG (trafficking from ER to golgi regulator; plus strand). Cytogenetic location: 3q12.2.
Variant type: single nucleotide variant.
Coding change: c.1014T>G on transcript NM_006070.6 (MANE Select); coding-DNA position 1014, T replaced by G.
Protein change: p.Asn338Lys; replaces asparagine 338 with lysine.
Molecular consequence: missense variant.
Genome position (GRCh38, 1-based): chr3:100,748,342, T>G. VCF-style: chr3-100748342-T-G. GRCh37 (hg19) VCF-style: chr3-100467186-T-G.
Other names: c.1014T>G, p.Asn338Lys (NM_001007565.2, NM_001195478.2); c.1002T>G, p.Asn334Lys (NM_001195479.2); short protein forms N338K, N334K.
Identifiers: ClinVar variation 466402 (VCV000466402.9), dbSNP rs1553704923, ClinGen allele CA353854163.
Genomic context (GRCh38, chr3:100,748,342, plus strand): 5'-GTACCAGGCGAGCAATTATCCTGCACAAACTTACACTGCCCAAACTTCTCAGCCTACTAA[T>G]TATACTGTGGCTCCTGCCTCTCAACCTGGAATGGCTCCAAGCCAACCTGGGGCCTATCAA-3'
Protein context (NP_006061.2, residues 328-348): TYTAQTSQPT[Asn338Lys]YTVAPASQPG